The following is an entry in ClinVar:

ClinVar aggregate classification (germline): Uncertain significance. Review status: criteria provided, multiple submitters, no conflicts (2 of 4 stars). 4 submissions from 4 submitters: Uncertain significance (4). Last evaluated 2025-07-31.

Conditions:
Retinal dystrophy. Also called: Inherited retinal dystrophy. Identifiers: Orphanet 71862, MedGen C0854723, MeSH D058499, MONDO:0019118, HP:0000556.
Inborn genetic diseases. Identifiers: MedGen C0950123, MeSH D030342.

Allele frequency attached by ClinVar (database versions not stated): gnomAD 0.00005; gnomAD exomes 0.00007; ESP Exome Variant Server 0.00008; TOPMed 0.00009; ExAC 0.00010.
gnomAD v4.1: 98 of 1,613,642 alleles (0.0061%); highest among the groups gnomAD compares: Middle Eastern, 0.082%; no homozygotes.

Submissions (4):

Ambry Genetics
Classification: Uncertain significance for Inborn genetic diseases. Last evaluated: 2025-07-31. Review status: criteria provided, single submitter. Criteria: Ambry Variant Classification Scheme 2023. Collection method: clinical testing. Allele origin: germline.

Blueprint Genetics
Classification: Uncertain significance. Last evaluated: 2024-11-05. Review status: criteria provided, single submitter. Criteria: ACMG Guidelines, 2015. Collection method: clinical testing. Allele origin: germline.

Labcorp Genetics (formerly Invitae), Labcorp
Classification: Uncertain significance. Last evaluated: 2022-11-01. Review status: criteria provided, single submitter. Criteria: Invitae Variant Classification Sherloc (09022015). Collection method: clinical testing. Allele origin: germline.
Comment: This sequence change replaces alanine, which is neutral and non-polar, with threonine, which is neutral and polar, at codon 59 of the GPR179 protein (p.Ala59Thr). This variant is present in population databases (rs200157347, gnomAD 0.01%). This variant has not been reported in the literature in individuals affected with GPR179-related conditions. ClinVar contains an entry for this variant (Variation ID: 1508114). Algorithms developed to predict the effect of missense changes on protein structure and function are either unavailable or do not agree on the potential impact of this missense change (SIFT: "Deleterious"; PolyPhen-2: "Probably Damaging"; Align-GVGD: "Class C0"). In summary, the available evidence is currently insufficient to determine the role of this variant in disease. Therefore, it has been classified as a Variant of Uncertain Significance.

Institute of Human Genetics, Univ. Regensburg, Univ. Regensburg
Classification: Uncertain significance for Retinal dystrophy. Last evaluated: 2022-01-01. Review status: criteria provided, single submitter. Criteria: ACMG Guidelines, 2015. Collection method: clinical testing. Allele origin: germline. Affected: yes.

Literature cited by the submitters: PubMed 32483926 (cited by Institute of Human Genetics, Univ. Regensburg, Univ. Regensburg).

NM_001004334.4(GPR179):c.175G>A (p.Ala59Thr)

Gene: GPR179 (G protein-coupled receptor 179; minus strand). Cytogenetic location: 17q12.
Variant type: single nucleotide variant.
Coding change: c.175G>A on transcript NM_001004334.4 (MANE Select); coding-DNA position 175, G replaced by A.
Protein change: p.Ala59Thr; replaces alanine 59 with threonine.
Molecular consequence: missense variant.
Genome position (GRCh38, 1-based): chr17:38,343,615, C>T on the plus strand (G>A on the coding strand, the complement: GPR179 is on the minus strand). VCF-style: chr17-38343615-C-T. GRCh37 (hg19) VCF-style: chr17-36499498-C-T.
Other names: c.175G>A (NM_001004334.2); short protein forms A59T.
Identifiers: ClinVar variation 1508114 (VCV001508114.9), dbSNP rs200157347, ClinGen allele CA290111896.
Genomic context (GRCh38, chr17:38,343,615, plus strand): 5'-GCTCACTGCAATTCACCTGTGATAGCTGCTGGGCATCTCCAGAGTAGAGATAAGCGAGGG[C>T]GGCCTCGGCCCCCTCTAGGGGCACCTGCATGGGTACAGATCCTGGCTTGACTTGGGAAGA-3'
Protein context (NP_001004334.3, residues 49-69): MQVPLEGAEA[Ala59Thr]LAYLYSGDAQ